The following is an entry in ClinVar:

ClinVar aggregate classification (germline): Benign/Likely benign. Review status: criteria provided, multiple submitters, no conflicts (2 of 4 stars). 5 submissions from 5 submitters: Benign (2); Likely benign (3). Last evaluated 2025-12-01.

Allele frequency attached by ClinVar (database versions not stated): 1000 Genomes Project 0.00200; TOPMed 0.00216; ESP Exome Variant Server 0.00223; 1000 Genomes Project 30x 0.00187; gnomAD 0.00252 and 0.00259; gnomAD exomes 0.00276 and 0.00352; ExAC 0.00279.
gnomAD v4.1: 5,489 of 1,613,922 alleles (0.34%); highest among the groups gnomAD compares: Middle Eastern, 0.71%; 16 homozygotes.

Submissions (5):

CeGaT Center for Human Genetics Tuebingen
Classification: Likely benign. Last evaluated: 2025-12-01. Review status: criteria provided, single submitter. Criteria: CeGaT Center For Human Genetics Tuebingen Variant Classification Criteria Version 2. Collection method: clinical testing. Allele origin: germline. Affected: yes. Observed: 4 variant alleles.
Comment: SERPINF2: BP4, BP7, BS2

Mayo Clinic Laboratories, Mayo Clinic
Classification: Likely benign. Last evaluated: 2025-07-03. Review status: criteria provided, single submitter. Criteria: ACMG Guidelines, 2015. Collection method: clinical testing. Allele origin: germline. Observed: 1 variant allele.
Comment: BP4, BP7

Blueprint Genetics
Classification: Likely benign. Last evaluated: 2024-11-11. Review status: criteria provided, single submitter. Criteria: ACMG Guidelines, 2015. Collection method: clinical testing. Allele origin: germline.

Labcorp Genetics (formerly Invitae), Labcorp
Classification: Benign. Last evaluated: 2019-12-31. Review status: criteria provided, single submitter. Criteria: Invitae Variant Classification Sherloc (09022015). Collection method: clinical testing. Allele origin: germline.

Breakthrough Genomics
Classification: Benign. Review status: criteria provided, single submitter. Criteria: ACMG Guidelines, 2015. Collection method: not provided. Allele origin: germline. Inheritance: Autosomal recessive inheritance. Affected: yes.

NM_000934.4(SERPINF2):c.1164G>A (p.Glu388=)

Gene: SERPINF2 (serpin family F member 2; plus strand). Cytogenetic location: 17p13.3.
Variant type: single nucleotide variant.
Coding change: c.1164G>A on transcript NM_000934.4 (MANE Select); coding-DNA position 1164, G replaced by A.
Protein change: p.Glu388=; no amino-acid change (glutamic acid 388 retained).
Molecular consequence: synonymous variant.
Genome position (GRCh38, 1-based): chr17:1,754,222, G>A. VCF-style: chr17-1754222-G-A. GRCh37 (hg19) VCF-style: chr17-1657516-G-A.
Other names: p.Glu388=; c.1164G>A, p.Glu388= (NM_001165920.1); c.972G>A, p.Glu324= (NM_001165921.2).
Identifiers: ClinVar variation 734277 (VCV000734277.31), dbSNP rs150688695, ClinGen allele CA8274400.